The following is an entry in ClinVar:

ClinVar aggregate classification (germline): Uncertain significance. Review status: criteria provided, multiple submitters, no conflicts (2 of 4 stars). 2 submissions from 2 submitters: Uncertain significance (2). Last evaluated 2026-02-02.

gnomAD v4.1: 68 of 1,564,958 alleles (0.0043%); highest among the groups gnomAD compares: Non-Finnish European, 0.0051%; no homozygotes.

Submissions (2):

Women's Health and Genetics/Laboratory Corporation of America, LabCorp
Classification: Uncertain significance. Last evaluated: 2026-02-02. Review status: criteria provided, single submitter. Criteria: LabCorp Variant Classification Summary - May 2015. Collection method: clinical testing. Allele origin: germline.
Comment: Variant summary: TNXB c.1598G>A (p.Arg533His) results in a non-conservative amino acid change in the encoded protein sequence. Algorithms developed to predict the effect of missense changes on protein structure and function are either unavailable or do not agree on the potential impact of this missense change. The variant allele was found at a frequency of 3.6e-05 in 168542 control chromosomes. The available data on variant occurrences in the general population are insufficient to allow any conclusion about variant significance. To our knowledge, no occurrence of c.1598G>A in individuals affected with TNXB-related conditions and no experimental evidence demonstrating its impact on protein function have been reported. ClinVar contains an entry for this variant (Variation ID: 4541148). Based on the evidence outlined above, the variant was classified as uncertain significance.

Mayo Clinic Laboratories, Mayo Clinic
Classification: Uncertain significance. Last evaluated: 2025-06-19. Review status: criteria provided, single submitter. Criteria: ACMG Guidelines, 2015. Collection method: clinical testing. Allele origin: germline. Observed: 1 variant allele.
Comment: BP4_moderate

NM_001365276.2(TNXB):c.1598G>A (p.Arg533His)

Gene: TNXB (tenascin XB; minus strand). Cytogenetic location: 6p21.33.
Variant type: single nucleotide variant.
Coding change: c.1598G>A on transcript NM_001365276.2 (MANE Select); coding-DNA position 1598, G replaced by A.
Protein change: p.Arg533His; replaces arginine 533 with histidine.
Molecular consequence: missense variant.
Genome position (GRCh38, 1-based): chr6:32,096,255, C>T on the plus strand (G>A on the coding strand, the complement: TNXB is on the minus strand). VCF-style: chr6-32096255-C-T. GRCh37 (hg19) VCF-style: chr6-32064032-C-T.
Other names: p.Arg533His; c.1598G>A, p.Arg533His (NM_001428335.1, NM_019105.8); short protein forms R533H.
Identifiers: ClinVar variation 4541148 (VCV004541148.2).